The following is an entry in ClinVar:

NM_015338.6(ASXL1):c.448G>A (p.Asp150Asn)

Gene: ASXL1 (ASXL transcriptional regulator 1; plus strand). Cytogenetic location: 20q11.21.
Variant type: single nucleotide variant.
Coding change: c.448G>A on transcript NM_015338.6 (MANE Select); coding-DNA position 448, G replaced by A.
Protein change: p.Asp150Asn; replaces aspartic acid 150 with asparagine.
Molecular consequence: missense variant.
Genome position (GRCh38, 1-based): chr20:32,428,399, G>A. VCF-style: chr20-32428399-G-A. GRCh37 (hg19) VCF-style: chr20-31016202-G-A.
Other names: c.418G>A, p.Asp140Asn (NM_001363734.1); short protein forms D140N, D150N.
Identifiers: ClinVar variation 5030204 (VCV005030204.1).
Genomic context (GRCh38, chr20:32,428,399, plus strand): 5'-ACATCTTCGAACGCATCCTGTTCTACAGAATCTCAGAGTCGACCTCTTTCCAATCCCAGG[G>A]ACAGCTACAGAGCTTCCTCACAGGTAAGGAAGAGGTAGAGCCTAGCCTGGGAGGATGAAT-3'
Protein context (NP_056153.2, residues 140-160): SQSRPLSNPR[Asp150Asn]SYRASSQANK

ClinVar aggregate classification (germline): Uncertain significance (1 of 4 stars; one submission).

Conditions:
Inborn genetic diseases. Identifiers: MedGen C0950123, MeSH D030342.

Submission:

Ambry Genetics
Classification: Uncertain significance for Inborn genetic diseases. Last evaluated: 2026-08-08. Review status: criteria provided, single submitter. Criteria: Ambry Variant Classification Scheme 2023. Collection method: clinical testing. Allele origin: germline.
Comment: The p.D150N variant (also known as c.448G>A), located in coding exon 6 of the ASXL1 gene, results from a G to A substitution at nucleotide position 448. The aspartic acid at codon 150 is replaced by asparagine, an amino acid with highly similar properties. This amino acid position is conserved. In addition, this alteration is predicted to be tolerated by in silico analysis. Based on the available evidence, the clinical significance of this variant remains unclear.